The following is an entry in ClinVar:

NM_015627.3(LDLRAP1):c.95C>G (p.Pro32Arg)

Gene: LDLRAP1 (low density lipoprotein receptor adaptor protein 1; plus strand). Cytogenetic location: 1p36.11.
Variant type: single nucleotide variant.
Coding change: c.95C>G on transcript NM_015627.3 (MANE Select); coding-DNA position 95, C replaced by G.
Protein change: p.Pro32Arg; replaces proline 32 with arginine.
Molecular consequence: missense variant.
Genome position (GRCh38, 1-based): chr1:25,553,928, C>G. VCF-style: chr1-25553928-C-G. GRCh37 (hg19) VCF-style: chr1-25880419-C-G.
Other names: short protein forms P32R.
Identifiers: ClinVar variation 4859184 (VCV004859184.1).
Genomic context (GRCh38, chr1:25,553,928, plus strand): 5'-CTGGTGGTGGGCCCTGAGCCGCAGGGTCTGAGGGCCTACCCTGTGCTACCCCAGAGCTGC[C>G]TGAGAACTGGACAGACACGCGGGAGACGCTGCTGGAGGGGATGCTGTTCAGCCTCAAGTA-3'
Protein context (NP_056442.2, residues 22-42): WGGGGRHRKL[Pro32Arg]ENWTDTRETL

ClinVar aggregate classification (germline): Uncertain significance (1 of 4 stars; one submission).

Conditions:
Cardiovascular phenotype. Identifiers: MedGen CN230736.

Submission:

Ambry Genetics
Classification: Uncertain significance for Cardiovascular phenotype. Last evaluated: 2026-05-17. Review status: criteria provided, single submitter. Criteria: Ambry Variant Classification Scheme 2023. Collection method: clinical testing. Allele origin: germline.
Comment: The p.P32R variant (also known as c.95C>G), located in coding exon 2 of the LDLRAP1 gene, results from a C to G substitution at nucleotide position 95. The proline at codon 32 is replaced by arginine, an amino acid with dissimilar properties. This amino acid position is conserved. In addition, this alteration is predicted to be deleterious by in silico analysis. Based on the available evidence, the clinical significance of this variant remains unclear.